The following is an entry in ClinVar:

NM_000143.4(FH):c.991A>G (p.Thr331Ala)

Gene: FH (fumarate hydratase; minus strand). Cytogenetic location: 1q43.
Variant type: single nucleotide variant.
Coding change: c.991A>G on transcript NM_000143.4 (MANE Select); coding-DNA position 991, A replaced by G.
Protein change: p.Thr331Ala; replaces threonine 331 with alanine.
Molecular consequence: missense variant.
Genome position (GRCh38, 1-based): chr1:241,504,159, T>C on the plus strand (A>G on the coding strand, the complement: FH is on the minus strand). VCF-style: chr1-241504159-T-C. GRCh37 (hg19) VCF-style: chr1-241667459-T-C.
Other names: short protein forms T331A.
Identifiers: ClinVar variation 1385346 (VCV001385346.9), dbSNP rs1459131048, ClinGen allele CA345438269.
Genomic context (GRCh38, chr1:241,504,159, plus strand): 5'-ACCGAGGACCAGAACCCAAAAATCGAATATCATTTGCTATCTTCATCAGACTGCAGGCAG[T>C]AGTGTTCATGGCTCCACTGAGCTCAACCAGAGCGTCATGAGCAGCCAGAGCTTCAAATTT-3'
Protein context (NP_000134.2, residues 321-341): LVELSGAMNT[Thr331Ala]ACSLMKIAND

ClinVar aggregate classification (germline): Uncertain significance. Review status: criteria provided, multiple submitters, no conflicts (2 of 4 stars). 2 submissions from 2 submitters: Uncertain significance (2). Last evaluated 2025-03-14.

Conditions:
Hereditary cancer-predisposing syndrome. Also called: Tumor predisposition; Neoplastic Syndromes, Hereditary; Hereditary Cancer Syndrome; Hereditary neoplastic syndrome. Identifiers: Orphanet 140162, MedGen C0027672, MeSH D009386, MONDO:0015356.

Allele frequency attached by ClinVar (database versions not stated): gnomAD exomes below 0.00001.
gnomAD v4.1: 2 of 1,614,152 alleles (0.00012%); highest among the groups gnomAD compares: Admixed American, 0.0017%; no homozygotes.

Submissions (2):

Ambry Genetics
Classification: Uncertain significance for Hereditary cancer-predisposing syndrome. Last evaluated: 2025-03-14. Review status: criteria provided, single submitter. Criteria: Ambry Variant Classification Scheme 2023. Collection method: clinical testing. Allele origin: germline.
Comment: The p.T331A variant (also known as c.991A>G), located in coding exon 7 of the FH gene, results from an A to G substitution at nucleotide position 991. The threonine at codon 331 is replaced by alanine, an amino acid with similar properties. This amino acid position is not well conserved in available vertebrate species. In addition, the in silico prediction for this alteration is inconclusive. Based on the available evidence, the clinical significance of this variant remains unclear.

Labcorp Genetics (formerly Invitae), Labcorp
Classification: Uncertain significance. Last evaluated: 2022-12-22. Review status: criteria provided, single submitter. Criteria: Invitae Variant Classification Sherloc (09022015). Collection method: clinical testing. Allele origin: germline.
Comment: This sequence change replaces threonine, which is neutral and polar, with alanine, which is neutral and non-polar, at codon 331 of the FH protein (p.Thr331Ala). This variant is present in population databases (no rsID available, gnomAD 0.003%). This variant has not been reported in the literature in individuals affected with FH-related conditions. ClinVar contains an entry for this variant (Variation ID: 1385346). Advanced modeling of protein sequence and biophysical properties (such as structural, functional, and spatial information, amino acid conservation, physicochemical variation, residue mobility, and thermodynamic stability) performed at Invitae indicates that this missense variant is not expected to disrupt FH protein function. In summary, the available evidence is currently insufficient to determine the role of this variant in disease. Therefore, it has been classified as a Variant of Uncertain Significance.